The following is an entry in ClinVar:

ClinVar aggregate classification (germline): Uncertain significance. Review status: criteria provided, multiple submitters, no conflicts (2 of 4 stars). 4 submissions from 4 submitters: Uncertain significance (4). Last evaluated 2023-07-24.

Conditions:
Gaucher disease. Also called: Acute cerebral Gaucher disease; Cerebroside lipidosis syndrome; Gaucher splenomegaly; Sphingolipidosis 1; Glucocerebrosidosis; Glucosylceramidase deficiency. Identifiers: Orphanet 355, MedGen C0017205, MONDO:0018150.
Parkinson disease, late-onset (PD). Also called: Hereditary late onset Parkinson disease; PARKINSON DISEASE, LATE-ONSET, SUSCEPTIBILITY TO; Susceptibility to Parkinson's Disease. Identifiers: Orphanet 411602, MedGen C3160718, MONDO:0008199, OMIM 168600.

Allele frequency attached by ClinVar (database versions not stated): gnomAD 0.00010; gnomAD exomes 0.00011; TOPMed 0.00011; ExAC 0.00014; ESP Exome Variant Server 0.00015.
gnomAD v4.1: 175 of 1,613,962 alleles (0.011%); highest among the groups gnomAD compares: African/African-American, 0.021%; no homozygotes.

Submissions (4):

Institute of Human Genetics, University of Leipzig Medical Center
Classification: Uncertain significance for Parkinson disease, late-onset. Last evaluated: 2023-07-24. Review status: criteria provided, single submitter. Criteria: ACMG Guidelines, 2015. Collection method: clinical testing. Allele origin: unknown. Inheritance: Autosomal dominant inheritance. Affected: yes.

Department of Pathology and Laboratory Medicine, Sinai Health System
Classification: Uncertain significance for Gaucher disease. Last evaluated: 2023-03-12. Review status: criteria provided, single submitter. Criteria: ACMG Guidelines, 2015. Collection method: research. Allele origin: germline.

Women's Health and Genetics/Laboratory Corporation of America, LabCorp
Classification: Uncertain significance. Last evaluated: 2023-02-15. Review status: criteria provided, single submitter. Criteria: LabCorp Variant Classification Summary - May 2015. Collection method: clinical testing. Allele origin: germline.
Comment: Variant summary: GBA c.232C>T (p.Arg78Cys) results in a non-conservative amino acid change in the encoded protein sequence. Four of five in-silico tools predict a damaging effect of the variant on protein function. The variant allele was found at a frequency of 9.2e-05 in 251336 control chromosomes (gnomAD). This frequency is not significantly higher than estimated for a pathogenic variant in GBA causing Gaucher Disease (9.2e-05 vs 0.005), allowing no conclusion about variant significance. To our knowledge, no occurrence of c.232C>T in individuals affected with Gaucher Disease and no experimental evidence demonstrating its impact on protein function have been reported. One ClinVar submitter has assessed the variant since 2014: the variant was classified as uncertain significance. Based on the evidence outlined above, the variant was classified as uncertain significance.

Ambry Genetics
Classification: Uncertain significance. Last evaluated: 2022-01-28. Review status: criteria provided, single submitter. Criteria: Ambry Variant Classification Scheme 2023. Collection method: clinical testing. Allele origin: germline.

NM_000157.4(GBA1):c.232C>T (p.Arg78Cys)

Genes: GBA1 (glucosylceramidase beta 1; minus strand), LOC106627981 (GBA recombination region; plus strand). Cytogenetic location: 1q22.
Variant type: single nucleotide variant.
Coding change: c.232C>T on transcript NM_000157.4 (MANE Select); coding-DNA position 232, C replaced by T.
Protein change: p.Arg78Cys; replaces arginine 78 with cysteine.
Molecular consequence: missense variant. On other transcripts: 5 prime UTR variant (1).
Genome position (GRCh38, 1-based): chr1:155,239,961, G>A on the plus strand (C>T on the coding strand, the complement: GBA1 is on the minus strand). VCF-style: chr1-155239961-G-A. GRCh37 (hg19) VCF-style: chr1-155209752-G-A.
Other names: c.232C>T, p.Arg78Cys (NM_001005741.3, NM_001005742.3, NM_001171812.2); c.-30C>T (NM_001171811.2); c.232C>T (NM_001005741.2); short protein forms R78C.
Identifiers: ClinVar variation 2369804 (VCV002369804.7), dbSNP rs146774384, ClinGen allele CA1141809.